The following is an entry in ClinVar:

ClinVar aggregate classification (germline): Uncertain significance. Review status: criteria provided, multiple submitters, no conflicts (2 of 4 stars). 2 submissions from 2 submitters: Uncertain significance (2). Last evaluated 2024-01-23.

Conditions:
Retinitis pigmentosa 80 (RP80). Identifiers: MedGen C4540439, MONDO:0054708, OMIM 617781.
Saldino-Mainzer syndrome (SRTD9). Also called: short-rib thoracic dysplasia 9 with or without polydactyly; SHORT-RIB THORACIC DYSPLASIA 9 WITHOUT POLYDACTYLY; CONORENAL SYNDROME; Renal dysplasia, retinal pigmentary dystrophy, cerebellar ataxia and skeletal dysplasia. Identifiers: Orphanet 140969, MedGen C1849437, MONDO:0009964, OMIM 266920.

Allele frequency attached by ClinVar (database versions not stated): TOPMed 0.00002.
gnomAD v4.1: 9 of 1,613,700 alleles (0.00056%); highest among the groups gnomAD compares: East Asian, 0.0022%; no homozygotes.

Submissions (2):

Fulgent Genetics
Classification: Uncertain significance for Saldino-Mainzer syndrome; Retinitis pigmentosa 80. Last evaluated: 2024-01-23. Review status: criteria provided, single submitter. Criteria: ACMG Guidelines, 2015. Collection method: clinical testing. Allele origin: germline.

Labcorp Genetics (formerly Invitae), Labcorp
Classification: Uncertain significance for Saldino-Mainzer syndrome. Last evaluated: 2021-12-01. Review status: criteria provided, single submitter. Criteria: Invitae Variant Classification Sherloc (09022015). Collection method: clinical testing. Allele origin: germline.
Comment: This sequence change replaces arginine, which is basic and polar, with proline, which is neutral and non-polar, at codon 63 of the IFT140 protein (p.Arg63Pro). This variant is present in population databases (rs765411860, gnomAD 0.0009%). This variant has not been reported in the literature in individuals affected with IFT140-related conditions. ClinVar contains an entry for this variant (Variation ID: 845379). Algorithms developed to predict the effect of missense changes on protein structure and function (SIFT, PolyPhen-2, Align-GVGD) all suggest that this variant is likely to be tolerated. In summary, the available evidence is currently insufficient to determine the role of this variant in disease. Therefore, it has been classified as a Variant of Uncertain Significance.

NM_014714.4(IFT140):c.188G>C (p.Arg63Pro)

Genes: IFT140 (intraflagellar transport 140; minus strand), LOC105371046 (uncharacterized LOC105371046; plus strand). Cytogenetic location: 16p13.3.
Variant type: single nucleotide variant.
Coding change: c.188G>C on transcript NM_014714.4 (MANE Select); coding-DNA position 188, G replaced by C.
Protein change: p.Arg63Pro; replaces arginine 63 with proline.
Molecular consequence: missense variant.
Genome position (GRCh38, 1-based): chr16:1,602,551, C>G on the plus strand (G>C on the coding strand, the complement: IFT140 is on the minus strand). VCF-style: chr16-1602551-C-G. GRCh37 (hg19) VCF-style: chr16-1652552-C-G.
Other names: short protein forms R63P.
Identifiers: ClinVar variation 845379 (VCV000845379.6), dbSNP rs765411860, ClinGen allele CA7814784.